The following is an entry in ClinVar:

NM_001267550.2(TTN):c.88085A>G (p.Asp29362Gly)

Genes: TTN (titin; minus strand), TTN-AS1 (TTN antisense RNA 1; plus strand). Cytogenetic location: 2q31.2.
Variant type: single nucleotide variant.
Coding change: c.88085A>G on transcript NM_001267550.2 (MANE Select); coding-DNA position 88085, A replaced by G.
Protein change: p.Asp29362Gly; replaces aspartic acid 29362 with glycine.
Molecular consequence: missense variant.
Genome position (GRCh38, 1-based): chr2:178,557,069, T>C on the plus strand (A>G on the coding strand, the complement: TTN is on the minus strand). VCF-style: chr2-178557069-T-C. GRCh37 (hg19) VCF-style: chr2-179421796-T-C.
Other names: c.83162A>G, p.Asp27721Gly (NM_001256850.1); c.60890A>G, p.Asp20297Gly (NM_003319.4); c.80381A>G, p.Asp26794Gly (NM_133378.4); c.61265A>G, p.Asp20422Gly (NM_133432.3); c.61466A>G, p.Asp20489Gly (NM_133437.4); short protein forms D20297G, D20422G, D20489G, D26794G, D27721G, D29362G.
Identifiers: ClinVar variation 4084735 (VCV004084735.8).

ClinVar aggregate classification (germline): Uncertain significance (1 of 4 stars; one submission).

gnomAD v4.1: 14 of 1,613,570 alleles (0.00087%); highest among the groups gnomAD compares: Non-Finnish European, 0.0011%; no homozygotes.

Submission:

CeGaT Center for Human Genetics Tuebingen
Classification: Uncertain significance. Last evaluated: 2025-07-01. Review status: criteria provided, single submitter. Criteria: CeGaT Center For Human Genetics Tuebingen Variant Classification Criteria Version 2. Collection method: clinical testing. Allele origin: germline. Affected: yes. Observed: 1 variant allele.
Comment: TTN: PM2